The following is an entry in ClinVar:

ClinVar aggregate classification (germline): Likely benign. Review status: criteria provided, single submitter (1 of 4 stars). 2 submissions from 2 submitters: Likely benign (1). 1 of the submissions does not count toward it. Last evaluated 2024-02-17.

Conditions:
ADAMTS18-related disorder. Also called: ADAMTS18-related condition.

gnomAD v4.1: 1 of 1,613,806 alleles (0.000062%); no homozygotes.

Submissions (2):

Labcorp Genetics (formerly Invitae), Labcorp
Classification: Likely benign. Last evaluated: 2024-02-17. Review status: criteria provided, single submitter. Criteria: Invitae Variant Classification Sherloc (09022015). Collection method: clinical testing. Allele origin: germline.

PreventionGenetics, part of Exact Sciences
Classification: Likely benign for ADAMTS18-related condition. Last evaluated: 2019-08-15. Review status: no assertion criteria provided. Collection method: clinical testing. Allele origin: germline. Not counted in ClinVar's aggregate classification.
Comment: This variant is classified as likely benign based on ACMG/AMP sequence variant interpretation guidelines (Richards et al. 2015 PMID: 25741868, with internal and published modifications).

NM_199355.4(ADAMTS18):c.3190-10T>C

Gene: ADAMTS18 (ADAM metallopeptidase with thrombospondin type 1 motif 18; minus strand). Cytogenetic location: 16q23.1.
Variant type: single nucleotide variant.
Coding change: c.3190-10T>C on transcript NM_199355.4 (MANE Select); 10 bases into the intron before coding-DNA position 3190, T replaced by C.
Molecular consequence: intron variant.
Genome position (GRCh38, 1-based): chr16:77,291,488, A>G on the plus strand (T>C on the coding strand, the complement: ADAMTS18 is on the minus strand). VCF-style: chr16-77291488-A-G. GRCh37 (hg19) VCF-style: chr16-77325385-A-G.
Other names: c.3190-10T>C (NM_199355.3); c.2674-10T>C (NM_001326358.2).
Identifiers: ClinVar variation 1651008 (VCV001651008.10), dbSNP rs2055363888, ClinGen allele CA2573152666.
Genomic context (GRCh38, chr16:77,291,488, plus strand): 5'-GCTGCACTTCATCTCCCTCTTCCTCACACCCAAACCACAGGTTGCAGAACACTAGGAGCC[A>G]AGACAGGATGTGTAAAAGTGAAGACTGCCAGGATCACATCTTCTGGACAGAGGCAGTTTG-3'